The following is an entry in ClinVar:

NM_001232.4(CASQ2):c.367A>T (p.Ile123Leu)

Gene: CASQ2 (calsequestrin 2; minus strand). Cytogenetic location: 1p13.1.
Variant type: single nucleotide variant.
Coding change: c.367A>T on transcript NM_001232.4 (MANE Select); coding-DNA position 367, A replaced by T.
Protein change: p.Ile123Leu; replaces isoleucine 123 with leucine.
Molecular consequence: missense variant.
Genome position (GRCh38, 1-based): chr1:115,740,781, T>A on the plus strand (A>T on the coding strand, the complement: CASQ2 is on the minus strand). VCF-style: chr1-115740781-T-A. GRCh37 (hg19) VCF-style: chr1-116283402-T-A.
Other names: short protein forms I123L.
Identifiers: ClinVar variation 4613798 (VCV004613798.1).

ClinVar aggregate classification (germline): Uncertain significance (1 of 4 stars; one submission).

Conditions:
Cardiovascular phenotype. Identifiers: MedGen CN230736.

gnomAD v4.1: 3 of 1,613,790 alleles (0.00019%); highest among the groups gnomAD compares: Non-Finnish European, 0.00025%; no homozygotes.

Submission:

Ambry Genetics
Classification: Uncertain significance for Cardiovascular phenotype. Last evaluated: 2025-09-28. Review status: criteria provided, single submitter. Criteria: Ambry Variant Classification Scheme 2023. Collection method: clinical testing. Allele origin: germline.
Comment: The p.I123L variant (also known as c.367A>T), located in coding exon 3 of the CASQ2 gene, results from an A to T substitution at nucleotide position 367. The isoleucine at codon 123 is replaced by leucine, an amino acid with highly similar properties. This amino acid position is conserved. In addition, the in silico prediction for this alteration is inconclusive. Based on the available evidence, the clinical significance of this variant remains unclear.